The following is an entry in ClinVar:

NM_000171.4(GLRA1):c.572T>C (p.Met191Thr)

Gene: GLRA1 (glycine receptor alpha 1; minus strand). Cytogenetic location: 5q33.1.
Variant type: single nucleotide variant.
Coding change: c.572T>C on transcript NM_000171.4 (MANE Select); coding-DNA position 572, T replaced by C.
Protein change: p.Met191Thr; replaces methionine 191 with threonine.
Molecular consequence: missense variant.
Genome position (GRCh38, 1-based): chr5:151,855,165, A>G on the plus strand (T>C on the coding strand, the complement: GLRA1 is on the minus strand). VCF-style: chr5-151855165-A-G. GRCh37 (hg19) VCF-style: chr5-151234726-A-G.
Other names: c.572T>C, p.Met191Thr (NM_001146040.2); c.323T>C, p.Met108Thr (NM_001292000.2); short protein forms M108T, M191T.
Identifiers: ClinVar variation 3641037 (VCV003641037.2).

ClinVar aggregate classification (germline): Uncertain significance (1 of 4 stars; one submission).

Conditions:
Hereditary hyperekplexia. Identifiers: Orphanet 3197, MedGen C4084968, MONDO:0021022.

Submission:

Labcorp Genetics (formerly Invitae), Labcorp
Classification: Uncertain significance for Hereditary hyperekplexia. Last evaluated: 2024-02-15. Review status: criteria provided, single submitter. Criteria: Invitae Variant Classification Sherloc (09022015). Collection method: clinical testing. Allele origin: germline.
Comment: This sequence change replaces methionine, which is neutral and non-polar, with threonine, which is neutral and polar, at codon 191 of the GLRA1 protein (p.Met191Thr). This variant is not present in population databases (gnomAD no frequency). This variant has not been reported in the literature in individuals affected with GLRA1-related conditions. Advanced modeling of protein sequence and biophysical properties (such as structural, functional, and spatial information, amino acid conservation, physicochemical variation, residue mobility, and thermodynamic stability) performed at Invitae indicates that this missense variant is not expected to disrupt GLRA1 protein function with a negative predictive value of 95%. In summary, the available evidence is currently insufficient to determine the role of this variant in disease. Therefore, it has been classified as a Variant of Uncertain Significance.